The following is an entry in ClinVar:

NM_032383.5(HPS3):c.128C>A (p.Ala43Glu)

Gene: HPS3 (HPS3 biogenesis of lysosomal organelles complex 2 subunit 1; plus strand). Cytogenetic location: 3q24.
Variant type: single nucleotide variant.
Coding change: c.128C>A on transcript NM_032383.5 (MANE Select); coding-DNA position 128, C replaced by A.
Protein change: p.Ala43Glu; replaces alanine 43 with glutamic acid.
Molecular consequence: missense variant.
Genome position (GRCh38, 1-based): chr3:149,129,851, C>A. VCF-style: chr3-149129851-C-A. GRCh37 (hg19) VCF-style: chr3-148847638-C-A.
Other names: c.128C>A, p.Ala43Glu (NM_001308258.2); short protein forms A43E.
Identifiers: ClinVar variation 1372195 (VCV001372195.8), dbSNP rs1721640874, ClinGen allele CA354906567.
Genomic context (GRCh38, chr3:149,129,851, plus strand): 5'-ACCGGTTCTGTGGCGGGGGGCGTGACGCGCTTTTCGTGGCGGCGGGCTGCAAGGTGGAGG[C>A]GTTCGCGGTGGCCGGCCAGGAGCTGTGCCAGCCGCGGTGCGCCTTCTCCACGCTGGGCCG-3'
Protein context (NP_115759.2, residues 33-53): LFVAAGCKVE[Ala43Glu]FAVAGQELCQ

ClinVar aggregate classification (germline): Uncertain significance (1 of 4 stars; one submission).

gnomAD v4.1: 1 of 1,602,032 alleles (0.000062%); no homozygotes.

Submission:

Labcorp Genetics (formerly Invitae), Labcorp
Classification: Uncertain significance. Last evaluated: 2020-10-30. Review status: criteria provided, single submitter. Criteria: Invitae Variant Classification Sherloc (09022015). Collection method: clinical testing. Allele origin: germline.
Comment: This sequence change replaces alanine with glutamic acid at codon 43 of the HPS3 protein (p.Ala43Glu). The alanine residue is moderately conserved and there is a moderate physicochemical difference between alanine and glutamic acid. This variant is not present in population databases (ExAC no frequency). This variant has not been reported in the literature in individuals with HPS3-related conditions. Algorithms developed to predict the effect of missense changes on protein structure and function are either unavailable or do not agree on the potential impact of this missense change (SIFT: "Deleterious"; PolyPhen-2: "Possibly Damaging"; Align-GVGD: "Class C0"). In summary, the available evidence is currently insufficient to determine the role of this variant in disease. Therefore, it has been classified as a Variant of Uncertain Significance.